The following is an entry in ClinVar:

ClinVar aggregate classification (germline): Uncertain significance (1 of 4 stars; one submission).

Submission:

Labcorp Genetics (formerly Invitae), Labcorp
Classification: Uncertain significance. Last evaluated: 2023-05-22. Review status: criteria provided, single submitter. Criteria: Invitae Variant Classification Sherloc (09022015). Collection method: clinical testing. Allele origin: germline.
Comment: This sequence change replaces glycine, which is neutral and non-polar, with aspartic acid, which is acidic and polar, at codon 1928 of the TECTA protein (p.Gly1928Asp). This variant is not present in population databases (gnomAD no frequency). This variant has not been reported in the literature in individuals affected with TECTA-related conditions. Advanced modeling of protein sequence and biophysical properties (such as structural, functional, and spatial information, amino acid conservation, physicochemical variation, residue mobility, and thermodynamic stability) has been performed at Invitae for this missense variant, however the output from this modeling did not meet the statistical confidence thresholds required to predict the impact of this variant on TECTA protein function. In summary, the available evidence is currently insufficient to determine the role of this variant in disease. Therefore, it has been classified as a Variant of Uncertain Significance.

NM_005422.4(TECTA):c.5783G>A (p.Gly1928Asp)

Genes: TBCEL-TECTA (TBCEL-TECTA readthrough; plus strand), TECTA (tectorin alpha; plus strand). Cytogenetic location: 11q23.3.
Variant type: single nucleotide variant.
Coding change: c.5783G>A on transcript NM_005422.4 (MANE Select); coding-DNA position 5783, G replaced by A.
Protein change: p.Gly1928Asp; replaces glycine 1928 with aspartic acid.
Molecular consequence: missense variant.
Genome position (GRCh38, 1-based): chr11:121,168,709, G>A. VCF-style: chr11-121168709-G-A. GRCh37 (hg19) VCF-style: chr11-121039418-G-A.
Other names: c.6725G>A, p.Gly2242Asp (NM_001378761.1); short protein forms G1928D, G2242D.
Identifiers: ClinVar variation 2827897 (VCV002827897.3), dbSNP rs2496993602, ClinGen allele CA383036512.